The following is an entry in ClinVar:

NM_001283009.2(RTEL1):c.2993-3C>T

Genes: RTEL1 (regulator of telomere elongation helicase 1; plus strand), RTEL1-TNFRSF6B (RTEL1-TNFRSF6B readthrough (NMD candidate); plus strand). Cytogenetic location: 20q13.33.
Variant type: single nucleotide variant.
Coding change: c.2993-3C>T on transcript NM_001283009.2 (MANE Select); 3 bases into the intron before coding-DNA position 2993, C replaced by T.
Molecular consequence: intron variant.
Genome position (GRCh38, 1-based): chr20:63,694,369, C>T. VCF-style: chr20-63694369-C-T. GRCh37 (hg19) VCF-style: chr20-62325722-C-T.
Other names: c.2324-3C>T (NM_001283010.1); c.3065-3C>T (NM_032957.5); c.2993-3C>T (NM_016434.4).
Identifiers: ClinVar variation 2937726 (VCV002937726.3), dbSNP rs549374952, ClinGen allele CA9965785.

ClinVar aggregate classification (germline): Uncertain significance (1 of 4 stars; one submission).

Conditions:
Dyskeratosis congenita, autosomal recessive 5 (DKCB5). Identifiers: MedGen C3554656, MONDO:0014076, OMIM 615190.
Pulmonary fibrosis and/or bone marrow failure, Telomere-related, 3. Also called: PULMONARY FIBROSIS AND/OR BONE MARROW FAILURE SYNDROME, TELOMERE-RELATED, 3. Identifiers: Orphanet 2032, MedGen C4225346, MONDO:0014613, OMIM 616373.

Allele frequency attached by ClinVar (database versions not stated): gnomAD exomes below 0.00001; TOPMed below 0.00001; ExAC 0.00001; gnomAD 0.00001; 1000 Genomes Project 30x 0.00016; 1000 Genomes Project 0.00020.
gnomAD v4.1: 6 of 1,540,336 alleles (0.00039%); highest among the groups gnomAD compares: South Asian, 0.0044%; no homozygotes.

Submission:

Labcorp Genetics (formerly Invitae), Labcorp
Classification: Uncertain significance for Dyskeratosis congenita, autosomal recessive 5; Pulmonary fibrosis and/or bone marrow failure, Telomere-related, 3. Last evaluated: 2023-09-04. Review status: criteria provided, single submitter. Criteria: Invitae Variant Classification Sherloc (09022015). Collection method: clinical testing. Allele origin: germline.
Comment: This sequence change falls in intron 30 of the RTEL1 gene. It does not directly change the encoded amino acid sequence of the RTEL1 protein. It affects a nucleotide within the consensus splice site. This variant is present in population databases (rs549374952, gnomAD 0.006%). This variant has not been reported in the literature in individuals affected with RTEL1-related conditions. Variants that disrupt the consensus splice site are a relatively common cause of aberrant splicing (PMID: 17576681, 9536098). Algorithms developed to predict the effect of sequence changes on RNA splicing suggest that this variant may disrupt the consensus splice site. In summary, the available evidence is currently insufficient to determine the role of this variant in disease. Therefore, it has been classified as a Variant of Uncertain Significance.

Literature cited by the submitters: PubMed 17576681; PubMed 9536098.